The following is an entry in ClinVar:

NM_144508.5(KNL1):c.2600A>G (p.Asp867Gly)

Gene: KNL1 (kinetochore scaffold 1; plus strand). Cytogenetic location: 15q15.1.
Variant type: single nucleotide variant.
Coding change: c.2600A>G on transcript NM_144508.5 (MANE Select); coding-DNA position 2600, A replaced by G.
Protein change: p.Asp867Gly; replaces aspartic acid 867 with glycine.
Molecular consequence: missense variant.
Genome position (GRCh38, 1-based): chr15:40,622,864, A>G. VCF-style: chr15-40622864-A-G. GRCh37 (hg19) VCF-style: chr15-40915062-A-G.
Other names: c.2678A>G, p.Asp893Gly (NM_170589.5); short protein forms D893G, D867G.
Identifiers: ClinVar variation 732666 (VCV000732666.6), dbSNP rs150467089, ClinGen allele CA7482882.

ClinVar aggregate classification (germline): Likely benign. Review status: criteria provided, multiple submitters, no conflicts (2 of 4 stars). 3 submissions from 3 submitters: Likely benign (2). 1 of the submissions does not count toward it. Last evaluated 2025-08-12.

Conditions:
KNL1-related disorder. Also called: KNL1-related condition.

Allele frequency attached by ClinVar (database versions not stated): gnomAD exomes 0.00010 and 0.00026; ExAC 0.00033; 1000 Genomes Project 0.00100; gnomAD 0.00109 and 0.00116; 1000 Genomes Project 30x 0.00125; TOPMed 0.00134; ESP Exome Variant Server 0.00153.
gnomAD v4.1: 313 of 1,613,432 alleles (0.019%); highest among the groups gnomAD compares: African/African-American, 0.38%; 1 homozygote.

Submissions (3):

PreventionGenetics, part of Exact Sciences
Classification: Likely benign for KNL1-related condition. Last evaluated: 2025-08-12. Review status: criteria provided, single submitter. Criteria: ACMG Guidelines, 2015. Collection method: clinical testing. Allele origin: germline.
Comment: This variant is classified as likely benign based on ACMG/AMP sequence variant interpretation guidelines (Richards et al. 2015 PMID: 25741868, with internal and published modifications).

Labcorp Genetics (formerly Invitae), Labcorp
Classification: Likely benign. Last evaluated: 2019-12-31. Review status: criteria provided, single submitter. Criteria: Invitae Variant Classification Sherloc (09022015). Collection method: clinical testing. Allele origin: germline.

Department of Pathology and Laboratory Medicine, Sinai Health System
Classification: Likely benign. Review status: no assertion criteria provided. Collection method: clinical testing. Allele origin: unknown. Affected: yes. Study: The Canadian Open Genetics Repository (COGR). Not counted in ClinVar's aggregate classification.
Comment: The KNL1 p.Asp893Gly variant was not identified in the literature nor was it identified in LOVD 3.0. The variant was identified in dbSNP (ID: rs150467089) and ClinVar (classified as likely benign by Invitae). The variant was identified in control databases in 101 of 280126 chromosomes at a frequency of 0.0003606 increasing the likelihood this could be a low frequency benign variant (Genome Aggregation Database March 6, 2019, v2.1.1). The variant was observed in the following populations: African in 97 of 24172 chromosomes (freq: 0.004013) and Latino in 4 of 35250 chromosomes (freq: 0.000114), but was not observed in the Ashkenazi Jewish, East Asian, European (Finnish), European (non-Finnish), Other, and South Asian populations. The p.Asp893 residue is not conserved in mammals and computational analyses (PolyPhen-2, SIFT, AlignGVGD, BLOSUM, MutationTaster) do not suggest a high likelihood of impact to the protein; however, this information is not predictive enough to rule out pathogenicity. The variant occurs outside of the splicing consensus sequence and in silico or computational prediction software programs (SpliceSiteFinder, MaxEntScan, NNSPLICE, GeneSplicer) do not predict a difference in splicing. In summary, based on the above information the clinical significance of this variant cannot be determined with certainty at this time although we would lean towards a more benign role for this variant. This variant is classified as likely benign.